The following is an entry in ClinVar:

GRCh37/hg19 17q23(chr17:58934659-60395826)x1

Genes: BCAS3 (BCAS3 microtubule associated cell migration factor; plus strand), BRIP1 (BRCA1 interacting helicase 1; minus strand), INTS2 (integrator complex subunit 2; minus strand), LINC02875 (long intergenic non-protein coding RNA 2875; plus strand), MED13 (mediator complex subunit 13; minus strand) and 3 more. Cytogenetic location: 17q23.
Variant type: copy number loss.
Change: copy number 1 (one copy instead of two) of chr17:58,934,659-60,395,826 (1.46 Mb, GRCh37 coordinates, 1-based), cytogenetic band 17q23.
Identifiers: ClinVar variation 57501 (VCV000057501.1).

ClinVar aggregate classification (germline): Pathogenic (1 of 4 stars; one submission).

Submission:

ISCA site 4
Classification: Pathogenic. Last evaluated: 2011-08-12. Review status: criteria provided, single submitter. Criteria: Kaminsky et al. (Genet Med. 2011). Collection method: clinical testing. Allele origin: unknown. Affected: yes. Observed: 1 variant allele.
Comment: Copy number variation identified through the course of routine clinical cytogenomic testing in postnatal populations. Clinical assertions have been curated as described in Kaminsky et al. 2011.